The following is an entry in ClinVar:

ClinVar aggregate classification (germline): Uncertain significance (1 of 4 stars; one submission).

Conditions:
Immunodeficiency 35 (IMD35). Also called: Susceptibility to infection due to TYK2 deficiency; TYK2 DEFICIENCY; HIES WITH ATYPICAL MYCOBACTERIOSIS, AUTOSOMAL RECESSIVE; HYPER-IgE SYNDROME WITH ATYPICAL MYCOBACTERIOSIS, AUTOSOMAL RECESSIVE. Identifiers: Orphanet 331226, MedGen C1969086, MONDO:0012682, OMIM 611521.

gnomAD v4.1: 4 of 1,612,266 alleles (0.00025%); highest among the groups gnomAD compares: Non-Finnish European, 0.00034%; no homozygotes.

Submission:

Labcorp Genetics (formerly Invitae), Labcorp
Classification: Uncertain significance for Immunodeficiency 35. Last evaluated: 2021-08-11. Review status: criteria provided, single submitter. Criteria: Invitae Variant Classification Sherloc (09022015). Collection method: clinical testing. Allele origin: germline.
Comment: This sequence change replaces arginine with proline at codon 231 of the TYK2 protein (p.Arg231Pro). The arginine residue is highly conserved and there is a moderate physicochemical difference between arginine and proline. This variant is present in population databases (rs761141309, ExAC 0.002%). This variant has not been reported in the literature in individuals affected with TYK2-related conditions. Algorithms developed to predict the effect of missense changes on protein structure and function are either unavailable or do not agree on the potential impact of this missense change (SIFT: "Not Available"; PolyPhen-2: "Possibly Damaging"; Align-GVGD: "Not Available"). In summary, the available evidence is currently insufficient to determine the role of this variant in disease. Therefore, it has been classified as a Variant of Uncertain Significance.

NM_003331.5(TYK2):c.692G>C (p.Arg231Pro)

Gene: TYK2 (tyrosine kinase 2; minus strand). Cytogenetic location: 19p13.2.
Variant type: single nucleotide variant.
Coding change: c.692G>C on transcript NM_003331.5 (MANE Select); coding-DNA position 692, G replaced by C.
Protein change: p.Arg231Pro; replaces arginine 231 with proline.
Molecular consequence: missense variant. On other transcripts: intron variant (1).
Genome position (GRCh38, 1-based): chr19:10,365,836, C>G on the plus strand (G>C on the coding strand, the complement: TYK2 is on the minus strand). VCF-style: chr19-10365836-C-G. GRCh37 (hg19) VCF-style: chr19-10476512-C-G.
Other names: c.692G>C, p.Arg231Pro (NM_001385197.1, NM_001385198.1, NM_001385199.1 and 7 more transcripts); c.630-28G>C (NM_001385205.1); short protein forms R231P.
Identifiers: ClinVar variation 1359583 (VCV001359583.6), dbSNP rs761141309, ClinGen allele CA9193641.
Genomic context (GRCh38, chr19:10,365,836, plus strand): 5'-GAGAGTCGGCCCGGCTGGAAGTCCCGCAGGAACCTGCGGAAGACGTTCCGAAGGCGCAGC[C>G]GGGTCAGGGCGCTGTGCTGCCGGATATGCCGGCGGAAGGAGCGCGGGATGCAGTCCTTGA-3'
Protein context (NP_003322.3, residues 221-241): RHIRQHSALT[Arg231Pro]LRLRNVFRRF